The following is an entry in ClinVar:

ClinVar aggregate classification (germline): Uncertain significance (1 of 4 stars; one submission).

Conditions:
Hypertrophic cardiomyopathy. Also called: HYPERTROPHIC MYOCARDIOPATHY. Identifiers: Orphanet 217569, MedGen C0007194, MeSH D002312, MONDO:0005045, HP:0001639.

Allele frequency attached by ClinVar (database versions not stated): gnomAD exomes 0.00001.
gnomAD v4.1: 3 of 1,613,852 alleles (0.00019%); highest among the groups gnomAD compares: Non-Finnish European, 0.00025%; no homozygotes.

Submission:

Labcorp Genetics (formerly Invitae), Labcorp
Classification: Uncertain significance for Hypertrophic cardiomyopathy. Last evaluated: 2024-02-24. Review status: criteria provided, single submitter. Criteria: Invitae Variant Classification Sherloc (09022015). Collection method: clinical testing. Allele origin: germline.
Comment: This sequence change replaces aspartic acid, which is acidic and polar, with histidine, which is basic and polar, at codon 1161 of the MYOM1 protein (p.Asp1161His). This variant is not present in population databases (gnomAD no frequency). This variant has not been reported in the literature in individuals affected with MYOM1-related conditions. ClinVar contains an entry for this variant (Variation ID: 843166). Advanced modeling of protein sequence and biophysical properties (such as structural, functional, and spatial information, amino acid conservation, physicochemical variation, residue mobility, and thermodynamic stability) performed at Invitae indicates that this missense variant is not expected to disrupt MYOM1 protein function with a negative predictive value of 80%. In summary, the available evidence is currently insufficient to determine the role of this variant in disease. Therefore, it has been classified as a Variant of Uncertain Significance.

NM_003803.4(MYOM1):c.3481G>C (p.Asp1161His)

Gene: MYOM1 (myomesin 1; minus strand). Cytogenetic location: 18p11.31.
Variant type: single nucleotide variant.
Coding change: c.3481G>C on transcript NM_003803.4 (MANE Select); coding-DNA position 3481, G replaced by C.
Protein change: p.Asp1161His; replaces aspartic acid 1161 with histidine.
Molecular consequence: missense variant.
Genome position (GRCh38, 1-based): chr18:3,102,568, C>G on the plus strand (G>C on the coding strand, the complement: MYOM1 is on the minus strand). VCF-style: chr18-3102568-C-G. GRCh37 (hg19) VCF-style: chr18-3102566-C-G.
Other names: c.3193G>C, p.Asp1065His (NM_019856.2); short protein forms D1065H, D1161H.
Identifiers: ClinVar variation 843166 (VCV000843166.9), dbSNP rs2079394843, ClinGen allele CA401703360.